The following is an entry in ClinVar:

NM_004360.5(CDH1):c.167A>C (p.Asn56Thr)

Gene: CDH1 (cadherin 1; plus strand). Cytogenetic location: 16q22.1.
Variant type: single nucleotide variant.
Coding change: c.167A>C on transcript NM_004360.5 (MANE Select); coding-DNA position 167, A replaced by C.
Protein change: p.Asn56Thr; replaces asparagine 56 with threonine.
Molecular consequence: missense variant. On other transcripts: 5 prime UTR variant (2).
Genome position (GRCh38, 1-based): chr16:68,801,673, A>C. VCF-style: chr16-68801673-A-C. GRCh37 (hg19) VCF-style: chr16-68835576-A-C.
Other names: c.167A>C, p.Asn56Thr (NM_001317184.2); c.-1449A>C (NM_001317185.2); c.-1653A>C (NM_001317186.2); short protein forms N56T.
Identifiers: ClinVar variation 4717380 (VCV004717380.1).

ClinVar aggregate classification (germline): Uncertain significance (1 of 4 stars; one submission).

Conditions:
Hereditary diffuse gastric adenocarcinoma (HDGC). Also called: DIFFUSE GASTRIC AND LOBULAR BREAST CANCER SYNDROME. Identifiers: Orphanet 26106, MedGen C1708349, MONDO:0007648, OMIM 137215.

Submission:

Labcorp Genetics (formerly Invitae), Labcorp
Classification: Uncertain significance for Hereditary diffuse gastric adenocarcinoma. Last evaluated: 2025-04-13. Review status: criteria provided, single submitter. Criteria: Invitae Variant Classification Sherloc (09022015). Collection method: clinical testing. Allele origin: germline.
Comment: This sequence change replaces asparagine, which is neutral and polar, with threonine, which is neutral and polar, at codon 56 of the CDH1 protein (p.Asn56Thr). This variant is not present in population databases (gnomAD no frequency). This variant has not been reported in the literature in individuals affected with CDH1-related conditions. An algorithm developed to predict the effect of missense changes on protein structure and function (PolyPhen-2) suggests that this variant is likely to be tolerated. In summary, the available evidence is currently insufficient to determine the role of this variant in disease. Therefore, it has been classified as a Variant of Uncertain Significance.